The following is an entry in ClinVar:

ClinVar aggregate classification (germline): Pathogenic (1 of 4 stars; one submission).

Conditions:
Hereditary breast ovarian cancer syndrome. Also called: Hereditary breast and ovarian cancer syndrome (HBOC); BRCA1- and BRCA2-Associated Hereditary Breast and Ovarian Cancer; Hereditary breast and ovarian cancer syndrome; Breast and ovarian cancer; Hereditary breast and ovarian cancer; Hereditary breast and/or ovarian cancer syndrome. Identifiers: Orphanet 145, MedGen C0677776, MeSH D061325, MONDO:0003582. Disease mechanism: loss of function.

Submission:

Labcorp Genetics (formerly Invitae), Labcorp
Classification: Pathogenic for Hereditary breast ovarian cancer syndrome. Last evaluated: 2017-08-15. Review status: criteria provided, single submitter. Criteria: Invitae Variant Classification Sherloc (09022015). Collection method: clinical testing. Allele origin: germline.
Comment: This variant is an out-of-frame deletion of the genomic region encompassing exons 3-14 of the BRCA1 gene. This creates a premature translational stop signal and is expected to result in an absent or disrupted protein product. A similar deletion of exons 3-14 (described as deletion of exons 3-15) has been reported in the literature in an affected individual from a hereditary breast and ovarian cancer family (PMID: 12960223). Exon 14 of BRCA1 is also known as exon 15 in the literature. Loss-of-function variants in BRCA1 are known to be pathogenic (PMID: 20104584). For these reasons, this variant has been classified as Pathogenic.

Literature cited by the submitters: PubMed 12960223.

NC_000017.11:g.(?_43074325)_(43115785_?)del

Genes: BRCA1 (BRCA1 DNA repair associated; minus strand), LOC126862571 (BRD4-independent group 4 enhancer GRCh37_chr17:41243136-41244335; plus strand). Cytogenetic location: 17q21.31.
Variant type: Deletion.
Identifiers: ClinVar variation 531551 (VCV000531551.1).